The following is an entry in ClinVar:

ClinVar aggregate classification (germline): Uncertain significance (1 of 4 stars; one submission).

Submission:

Labcorp Genetics (formerly Invitae), Labcorp
Classification: Uncertain significance. Last evaluated: 2023-04-04. Review status: criteria provided, single submitter. Criteria: Invitae Variant Classification Sherloc (09022015). Collection method: clinical testing. Allele origin: germline.
Comment: In summary, the available evidence is currently insufficient to determine the role of this variant in disease. Therefore, it has been classified as a Variant of Uncertain Significance. Algorithms developed to predict the effect of missense changes on protein structure and function output the following: SIFT: "Not Available"; PolyPhen-2: "Benign"; Align-GVGD: "Not Available". The serine amino acid residue is found in multiple mammalian species, which suggests that this missense change does not adversely affect protein function. This variant has not been reported in the literature in individuals affected with RP1-related conditions. This variant is not present in population databases (gnomAD no frequency). This sequence change replaces threonine, which is neutral and polar, with serine, which is neutral and polar, at codon 1569 of the RP1 protein (p.Thr1569Ser).

NM_006269.2(RP1):c.4706C>G (p.Thr1569Ser)

Gene: RP1 (RP1 axonemal microtubule associated; plus strand). Cytogenetic location: 8q12.1.
Variant type: single nucleotide variant.
Coding change: c.4706C>G on transcript NM_006269.2 (MANE Select); coding-DNA position 4706, C replaced by G.
Protein change: p.Thr1569Ser; replaces threonine 1569 with serine.
Molecular consequence: missense variant. On other transcripts: intron variant (1).
Genome position (GRCh38, 1-based): chr8:54,628,588, C>G. VCF-style: chr8-54628588-C-G. GRCh37 (hg19) VCF-style: chr8-55541148-C-G.
Other names: c.787+6300C>G (NM_001375654.1); short protein forms T1569S.
Identifiers: ClinVar variation 2844060 (VCV002844060.3), dbSNP rs1806150474, ClinGen allele CA370983008.